The following is an entry in ClinVar:

ClinVar aggregate classification (germline): Benign/Likely benign. Review status: criteria provided, multiple submitters, no conflicts (2 of 4 stars). 3 submissions from 3 submitters: Benign (1); Likely benign (1). 1 of the submissions does not count toward it. Last evaluated 2026-01-18.

Conditions:
X-linked lymphoproliferative disease due to XIAP deficiency. Also called: XIAP DEFICIENCY; XIAP-Related Lymphoproliferative Disease, X-Linked. Identifiers: Orphanet 2442, Orphanet 538934, MedGen C1845076, MONDO:0010385, OMIM 300635.
XIAP-related disorder. Also called: XIAP-related condition.

Allele frequency attached by ClinVar (database versions not stated): gnomAD 0.00001 and 0.00003; gnomAD exomes 0.00001 and 0.00008; TOPMed 0.00003; ExAC 0.00006; 1000 Genomes Project 30x 0.00042; 1000 Genomes Project 0.00053.
gnomAD v4.1: 28 of 1,210,434 alleles (0.0023%); highest among the groups gnomAD compares: East Asian, 0.047%; no homozygotes.

Submissions (3):

Labcorp Genetics (formerly Invitae), Labcorp
Classification: Benign for X-linked lymphoproliferative disease due to XIAP deficiency. Last evaluated: 2026-01-18. Review status: criteria provided, single submitter. Criteria: Invitae Variant Classification Sherloc (09022015). Collection method: clinical testing. Allele origin: germline.

Women's Health and Genetics/Laboratory Corporation of America, LabCorp
Classification: Likely benign. Last evaluated: 2024-11-19. Review status: criteria provided, single submitter. Criteria: LabCorp Variant Classification Summary - May 2015. Collection method: clinical testing. Allele origin: germline.

PreventionGenetics, part of Exact Sciences
Classification: Likely benign for XIAP-related condition. Last evaluated: 2023-07-29. Review status: no assertion criteria provided. Collection method: clinical testing. Allele origin: germline. Not counted in ClinVar's aggregate classification.
Comment: This variant is classified as likely benign based on ACMG/AMP sequence variant interpretation guidelines (Richards et al. 2015 PMID: 25741868, with internal and published modifications).

NM_001167.4(XIAP):c.1416A>G (p.Lys472=)

Gene: XIAP (X-linked inhibitor of apoptosis; plus strand). Cytogenetic location: Xq25.
Variant type: single nucleotide variant.
Coding change: c.1416A>G on transcript NM_001167.4 (MANE Select); coding-DNA position 1416, A replaced by G.
Protein change: p.Lys472=; no amino-acid change (lysine 472 retained).
Molecular consequence: synonymous variant. On other transcripts: non-coding transcript variant (2).
Genome position (GRCh38, 1-based): chrX:123,907,103, A>G. VCF-style: chrX-123907103-A-G. GRCh37 (hg19) VCF-style: chrX-123040953-A-G.
Other names: c.1416A>G, p.Lys472= (NM_001204401.2, NM_001378590.1, NM_001378591.1 and 1 more transcripts); c.1416A>G (NM_001167.3).
Identifiers: ClinVar variation 1167269 (VCV001167269.12), dbSNP rs777650841, ClinGen allele CA10508188.